The following is an entry in ClinVar:

ClinVar aggregate classification (germline): Uncertain significance. Review status: criteria provided, single submitter (1 of 4 stars). 2 submissions from 2 submitters: Uncertain significance (1). 1 of the submissions does not count toward it. Last evaluated 2018-09-05.

Conditions:
Congenital pontocerebellar hypoplasia type 1. Also called: Pontocerebellar hypoplasia type 1. Identifiers: Orphanet 2254, MedGen C5442006, MONDO:0016396.
Pontocerebellar hypoplasia type 1A (PCH1A). Also called: PONTOCEREBELLAR HYPOPLASIA WITH ANTERIOR HORN CELL DISEASE; PONTOCEREBELLAR HYPOPLASIA WITH INFANTILE SPINAL MUSCULAR ATROPHY. Identifiers: Orphanet 2254, Orphanet 88616, MedGen C1843504, MONDO:0011866, OMIM 607596.

Submissions (2):

Labcorp Genetics (formerly Invitae), Labcorp
Classification: Uncertain significance for Pontocerebellar hypoplasia type 1. Last evaluated: 2018-09-05. Review status: criteria provided, single submitter. Criteria: Invitae Variant Classification Sherloc (09022015). Collection method: clinical testing. Allele origin: germline.
Comment: This sequence change replaces lysine with methionine at codon 357 of the VRK1 protein (p.Lys357Met). The lysine residue is moderately conserved and there is a moderate physicochemical difference between lysine and methionine. This variant is not present in population databases (ExAC no frequency). This variant has not been reported in the literature in individuals with VRK1-related disease. Algorithms developed to predict the effect of missense changes on protein structure and function are either unavailable or do not agree on the potential impact of this missense change (SIFT: "Deleterious"; PolyPhen-2: "Possibly Damaging"; Align-GVGD: "Class C0"). In summary, the available evidence is currently insufficient to determine the role of this variant in disease. Therefore, it has been classified as a Variant of Uncertain Significance.

Natera, Inc.
Classification: Uncertain significance for Pontocerebellar hypoplasia, type 1a. Last evaluated: 2021-03-25. Review status: no assertion criteria provided. Collection method: clinical testing. Allele origin: germline. Not counted in ClinVar's aggregate classification.

NM_003384.3(VRK1):c.1070A>T (p.Lys357Met)

Gene: VRK1 (VRK serine/threonine kinase 1; plus strand). Cytogenetic location: 14q32.2.
Variant type: single nucleotide variant.
Coding change: c.1070A>T on transcript NM_003384.3 (MANE Select); coding-DNA position 1070, A replaced by T.
Protein change: p.Lys357Met; replaces lysine 357 with methionine.
Molecular consequence: missense variant.
Genome position (GRCh38, 1-based): chr14:96,876,031, A>T. VCF-style: chr14-96876031-A-T. GRCh37 (hg19) VCF-style: chr14-97342368-A-T.
Other names: short protein forms K357M.
Identifiers: ClinVar variation 647253 (VCV000647253.3), dbSNP rs1595691552, ClinGen allele CA390932350.